The following is an entry in ClinVar:

ClinVar aggregate classification (germline): Pathogenic (1 of 4 stars; one submission).

Conditions:
X-linked severe congenital neutropenia (SCNX). Identifiers: Orphanet 86788, MedGen C1845987, MONDO:0010294, OMIM 300299.
Thrombocytopenia 1. Also called: X-Linked Thrombocytopenia (XLT); X-linked thrombocytopenia with normal platelets; THROMBOCYTOPENIA, X-LINKED, 1. Identifiers: Orphanet 268322, Orphanet 852, MedGen C1839163, MONDO:0010743, OMIM 313900.
Wiskott-Aldrich syndrome (WAS). Also called: WISKOTT-ALDRICH SYNDROME 1; ALDRICH SYNDROME; IMMUNODEFICIENCY 2; Wiskott-aldrich syndrome, somatic. Identifiers: Orphanet 906, MedGen C0043194, MONDO:0010518, OMIM 301000.

Submission:

Labcorp Genetics (formerly Invitae), Labcorp
Classification: Pathogenic for Wiskott-Aldrich syndrome; X-linked severe congenital neutropenia; Thrombocytopenia 1. Last evaluated: 2019-06-22. Review status: criteria provided, single submitter. Criteria: Invitae Variant Classification Sherloc (09022015). Collection method: clinical testing. Allele origin: germline.
Comment: For these reasons, this variant has been classified as Pathogenic. Loss-of-function variants in WAS are known to be pathogenic (PMID: 15284122). This variant has not been reported in the literature in individuals with WAS-related conditions. This variant is a gross deletion of the genomic region encompassing exon 1 of the WAS gene, which includes the initiator codon. The 5' end of this event is unknown as it extends beyond the assayed region for this gene and therefore may encompass additional genes. The 3' boundary is likely confined to intron 1 of the WAS gene. This is expected to result in an absent or disrupted protein product.

Literature cited by the submitters: PubMed 15284122.

NC_000023.10:g.(?_48542233)_(48542384_?)del

Gene: WAS (WASP actin nucleation promoting factor; plus strand). Cytogenetic location: Xp11.23.
Variant type: Deletion.
Identifiers: ClinVar variation 832668 (VCV000832668.3).